The following is an entry in ClinVar:

ClinVar aggregate classification (germline): Uncertain significance (1 of 4 stars; one submission).

Allele frequency attached by ClinVar (database versions not stated): ESP Exome Variant Server 0.00015.
gnomAD v4.1: 10 of 1,612,044 alleles (0.00062%); highest among the groups gnomAD compares: Non-Finnish European, 0.00085%; no homozygotes.

Submission:

Labcorp Genetics (formerly Invitae), Labcorp
Classification: Uncertain significance. Last evaluated: 2023-10-09. Review status: criteria provided, single submitter. Criteria: Invitae Variant Classification Sherloc (09022015). Collection method: clinical testing. Allele origin: germline.
Comment: This sequence change replaces aspartic acid, which is acidic and polar, with glutamic acid, which is acidic and polar, at codon 229 of the SIX5 protein (p.Asp229Glu). This variant is present in population databases (rs374669672, gnomAD 0.003%). This variant has not been reported in the literature in individuals affected with SIX5-related conditions. Advanced modeling of protein sequence and biophysical properties (such as structural, functional, and spatial information, amino acid conservation, physicochemical variation, residue mobility, and thermodynamic stability) performed at Invitae indicates that this missense variant is not expected to disrupt SIX5 protein function. In summary, the available evidence is currently insufficient to determine the role of this variant in disease. Therefore, it has been classified as a Variant of Uncertain Significance.

NM_175875.5(SIX5):c.687C>A (p.Asp229Glu)

Genes: DM1-AS (DM1 locus antisense RNA; plus strand), SIX5 (SIX homeobox 5; minus strand), LOC107075317 (origin of replication in DMPK trinucleotide repeat region; plus strand). Cytogenetic location: 19q13.32.
Variant type: single nucleotide variant.
Coding change: c.687C>A on transcript NM_175875.5 (MANE Select); coding-DNA position 687, C replaced by A.
Protein change: p.Asp229Glu; replaces aspartic acid 229 with glutamic acid.
Molecular consequence: missense variant.
Genome position (GRCh38, 1-based): chr19:45,768,158, G>T on the plus strand (C>A on the coding strand, the complement: SIX5 is on the minus strand). VCF-style: chr19-45768158-G-T. GRCh37 (hg19) VCF-style: chr19-46271416-G-T.
Other names: short protein forms D229E.
Identifiers: ClinVar variation 3021751 (VCV003021751.3), dbSNP rs374669672, ClinGen allele CA9520796.